The following is an entry in ClinVar:

NM_004364.5(CEBPA):c.221A>G (p.Asn74Ser)

Gene: CEBPA (CCAAT enhancer binding protein alpha; minus strand). Cytogenetic location: 19q13.11.
Variant type: single nucleotide variant.
Coding change: c.221A>G on transcript NM_004364.5 (MANE Select); coding-DNA position 221, A replaced by G.
Protein change: p.Asn74Ser; replaces asparagine 74 with serine.
Molecular consequence: missense variant. On other transcripts: 5 prime UTR variant (1).
Genome position (GRCh38, 1-based): chr19:33,302,194, T>C on the plus strand (A>G on the coding strand, the complement: CEBPA is on the minus strand). VCF-style: chr19-33302194-T-C. GRCh37 (hg19) VCF-style: chr19-33793100-T-C.
Other names: c.-137A>G (NM_001285829.2); c.326A>G, p.Asn109Ser (NM_001287424.2); c.179A>G, p.Asn60Ser (NM_001287435.2); short protein forms N109S, N60S, N74S.
Identifiers: ClinVar variation 4868682 (VCV004868682.1).

ClinVar aggregate classification (germline): Uncertain significance (1 of 4 stars; one submission).

Conditions:
Inborn genetic diseases. Identifiers: MedGen C0950123, MeSH D030342.

Submission:

Ambry Genetics
Classification: Uncertain significance for Inborn genetic diseases. Last evaluated: 2026-05-14. Review status: criteria provided, single submitter. Criteria: Ambry Variant Classification Scheme 2023. Collection method: clinical testing. Allele origin: germline.
Comment: The p.N74S variant (also known as c.221A>G), located in coding exon 1 of the CEBPA gene, results from an A to G substitution at nucleotide position 221. The asparagine at codon 74 is replaced by serine, an amino acid with highly similar properties. This amino acid position is conserved. In addition, this alteration is predicted to be tolerated by in silico analysis. Based on the available evidence, the clinical significance of this variant remains unclear.